The following is an entry in ClinVar:

ClinVar aggregate classification (germline): Uncertain significance. Review status: criteria provided, multiple submitters, no conflicts (2 of 4 stars). 2 submissions from 2 submitters: Uncertain significance (2). Last evaluated 2024-08-30.

Allele frequency attached by ClinVar (database versions not stated): gnomAD 0.00001; gnomAD exomes 0.00001; TOPMed 0.00003.
gnomAD v4.1: 5 of 1,550,220 alleles (0.00032%); highest among the groups gnomAD compares: East Asian, 0.012%; no homozygotes.

Submissions (2):

Blueprint Genetics
Classification: Uncertain significance. Last evaluated: 2024-08-30. Review status: criteria provided, single submitter. Criteria: ACMG Guidelines, 2015. Collection method: clinical testing. Allele origin: germline.

Labcorp Genetics (formerly Invitae), Labcorp
Classification: Uncertain significance. Last evaluated: 2021-08-31. Review status: criteria provided, single submitter. Criteria: Invitae Variant Classification Sherloc (09022015). Collection method: clinical testing. Allele origin: germline.
Comment: This sequence change replaces isoleucine with threonine at codon 829 of the EYS protein (p.Ile829Thr). The isoleucine residue is moderately conserved and there is a moderate physicochemical difference between isoleucine and threonine. This variant is not present in population databases (ExAC no frequency). This variant has not been reported in the literature in individuals affected with EYS-related conditions. Algorithms developed to predict the effect of missense changes on protein structure and function output the following: SIFT: "Tolerated"; PolyPhen-2: "Probably Damaging"; Align-GVGD: "Class C0". The threonine amino acid residue is found in multiple mammalian species, which suggests that this missense change does not adversely affect protein function. In summary, the available evidence is currently insufficient to determine the role of this variant in disease. Therefore, it has been classified as a Variant of Uncertain Significance.

NM_001142800.2(EYS):c.2486T>C (p.Ile829Thr)

Gene: EYS (EGF-like photoreceptor maintenance factor; minus strand). Cytogenetic location: 6q12.
Variant type: single nucleotide variant.
Coding change: c.2486T>C on transcript NM_001142800.2 (MANE Select); coding-DNA position 2486, T replaced by C.
Protein change: p.Ile829Thr; replaces isoleucine 829 with threonine.
Molecular consequence: missense variant.
Genome position (GRCh38, 1-based): chr6:64,912,639, A>G on the plus strand (T>C on the coding strand, the complement: EYS is on the minus strand). VCF-style: chr6-64912639-A-G. GRCh37 (hg19) VCF-style: chr6-65622532-A-G.
Other names: c.2486T>C, p.Ile829Thr (NM_001292009.2); short protein forms I829T.
Identifiers: ClinVar variation 2178284 (VCV002178284.2), dbSNP rs1182607969, ClinGen allele CA364786406.